The following is an entry in ClinVar:

ClinVar aggregate classification (germline): Uncertain significance. Review status: criteria provided, multiple submitters, no conflicts (2 of 4 stars). 2 submissions from 2 submitters: Uncertain significance (2). Last evaluated 2024-02-19.

Conditions:
Arrhythmogenic right ventricular dysplasia 10. Also called: ARRHYTHMOGENIC RIGHT VENTRICULAR DYSPLASIA, FAMILIAL, 10; Arrhythmogenic right ventricular dysplasia/cardiomyopathy, type 10; Arrhythmogenic Right Ventricular Dysplasia/Cardiomyopathy10. Identifiers: MedGen C1857777, MONDO:0012434, OMIM 610193.
Cardiovascular phenotype. Identifiers: MedGen CN230736.

Submissions (2):

Labcorp Genetics (formerly Invitae), Labcorp
Classification: Uncertain significance for Arrhythmogenic right ventricular dysplasia 10. Last evaluated: 2024-02-19. Review status: criteria provided, single submitter. Criteria: Invitae Variant Classification Sherloc (09022015). Collection method: clinical testing. Allele origin: germline.
Comment: This sequence change replaces methionine, which is neutral and non-polar, with lysine, which is basic and polar, at codon 345 of the DSG2 protein (p.Met345Lys). This variant is not present in population databases (gnomAD no frequency). This variant has not been reported in the literature in individuals affected with DSG2-related conditions. ClinVar contains an entry for this variant (Variation ID: 1462615). Advanced modeling of protein sequence and biophysical properties (such as structural, functional, and spatial information, amino acid conservation, physicochemical variation, residue mobility, and thermodynamic stability) performed at Invitae indicates that this missense variant is not expected to disrupt DSG2 protein function with a negative predictive value of 95%. In summary, the available evidence is currently insufficient to determine the role of this variant in disease. Therefore, it has been classified as a Variant of Uncertain Significance.

Ambry Genetics
Classification: Uncertain significance for Cardiovascular phenotype. Last evaluated: 2021-02-24. Review status: criteria provided, single submitter. Criteria: Ambry Variant Classification Scheme 2023. Collection method: clinical testing. Allele origin: germline.
Comment: The p.M345K variant (also known as c.1034T>A), located in coding exon 9 of the DSG2 gene, results from a T to A substitution at nucleotide position 1034. The methionine at codon 345 is replaced by lysine, an amino acid with similar properties. This amino acid position is not well conserved in available vertebrate species. In addition, this alteration is predicted to be tolerated by in silico analysis. Since supporting evidence is limited at this time, the clinical significance of this alteration remains unclear.

NM_001943.5(DSG2):c.1034T>A (p.Met345Lys)

Gene: DSG2 (desmoglein 2; plus strand). Cytogenetic location: 18q12.1.
Variant type: single nucleotide variant.
Coding change: c.1034T>A on transcript NM_001943.5 (MANE Select); coding-DNA position 1034, T replaced by A.
Protein change: p.Met345Lys; replaces methionine 345 with lysine.
Molecular consequence: missense variant.
Genome position (GRCh38, 1-based): chr18:31,531,006, T>A. VCF-style: chr18-31531006-T-A. GRCh37 (hg19) VCF-style: chr18-29110969-T-A.
Other names: short protein forms M345K.
Identifiers: ClinVar variation 1462615 (VCV001462615.8), dbSNP rs2144332528, ClinGen allele CA402137992.
Genomic context (GRCh38, chr18:31,531,006, plus strand): 5'-TTTTCTCTTTGAAAAGAATTCCCTTTGGTTTTCCCTTTCAGGAAGTAGATTATGAAGAAA[T>A]GAAGAATCTTGACTTCAGTGTTATTGTCGCTAATAAAGCAGCTTTTCACAAGTCGATTAG-3'
Protein context (NP_001934.2, residues 335-355): TLIKEVDYEE[Met345Lys]KNLDFSVIVA